The following is an entry in ClinVar:

ClinVar aggregate classification (germline): Uncertain significance (1 of 4 stars; one submission).

gnomAD v4.1: 2 of 1,613,950 alleles (0.00012%); highest among the groups gnomAD compares: East Asian, 0.0045%; no homozygotes.

Submission:

GeneDx
Classification: Uncertain significance. Last evaluated: 2024-04-23. Review status: criteria provided, single submitter. Criteria: GeneDx Variant Classification Process June 2021. Collection method: clinical testing. Allele origin: germline. Affected: yes.
Comment: Not observed at significant frequency in large population cohorts (gnomAD); In silico analysis supports that this missense variant has a deleterious effect on protein structure/function; Has not been previously published as pathogenic or benign to our knowledge

NM_021942.6(TRAPPC11):c.110G>C (p.Trp37Ser)

Gene: TRAPPC11 (trafficking protein particle complex subunit 11; plus strand). Cytogenetic location: 4q35.1.
Variant type: single nucleotide variant.
Coding change: c.110G>C on transcript NM_021942.6 (MANE Select); coding-DNA position 110, G replaced by C.
Protein change: p.Trp37Ser; replaces tryptophan 37 with serine.
Molecular consequence: missense variant.
Genome position (GRCh38, 1-based): chr4:183,663,977, G>C. VCF-style: chr4-183663977-G-C. GRCh37 (hg19) VCF-style: chr4-184585130-G-C.
Other names: c.110G>C, p.Trp37Ser (NM_199053.3); short protein forms W37S.
Identifiers: ClinVar variation 3372641 (VCV003372641.1).